The following is an entry in ClinVar:

NM_001376571.1(MADD):c.4195C>T (p.Leu1399=)

Gene: MADD (MAP kinase activating death domain; plus strand). Cytogenetic location: 11p11.2.
Variant type: single nucleotide variant.
Coding change: c.4195C>T on transcript NM_001376571.1 (MANE Select); coding-DNA position 4195, C replaced by T.
Protein change: p.Leu1399=; no amino-acid change (leucine 1399 retained).
Molecular consequence: synonymous variant. On other transcripts: non-coding transcript variant (8), intron variant (3).
Genome position (GRCh38, 1-based): chr11:47,311,768, C>T. VCF-style: chr11-47311768-C-T. GRCh37 (hg19) VCF-style: chr11-47333319-C-T.
Other names: c.3886C>T, p.Leu1296= (NM_001135943.2); c.3877C>T, p.Leu1293= (NM_001135944.2, NM_001376618.1, NM_001376619.1 and 2 more transcripts); c.4183C>T, p.Leu1395= (NM_001376572.1, NM_001376573.1, NM_001376599.1 and 2 more transcripts); c.4141C>T, p.Leu1381= (NM_001376574.1, NM_001376605.1); c.4135C>T, p.Leu1379= (NM_001376575.1); c.4123C>T, p.Leu1375= (NM_001376576.1, NM_001376577.1, NM_001376610.1); c.4096C>T, p.Leu1366= (NM_001376578.1); c.4069C>T, p.Leu1357= (NM_001376579.1, NM_001376580.1, NM_001376622.1 and 1 more transcripts); and 44 more.
Identifiers: ClinVar variation 3353100 (VCV003353100.1).
Genomic context (GRCh38, chr11:47,311,768, plus strand): 5'-AAGAGTCATGTGTTGGCTTTTCAGGTAAATAAGAATGACATCCGCAAGAAGGTGAGGCGC[C>T]TAATGGGAAAGTCGCACATTGGGCTTGTGTACAGCCAGCAAATCAATGAGGTGCTTGATC-3'
Protein context (NP_001363500.1, residues 1389-1409): KNDIRKKVRR[Leu1399=]MGKSHIGLVY

ClinVar aggregate classification (germline): Likely benign (0 of 4 stars; one submission).

Conditions:
MADD-related disorder. Also called: MADD-Related Disorders; MADD-related condition.

gnomAD v4.1: 97 of 1,613,882 alleles (0.006%); highest among the groups gnomAD compares: Non-Finnish European, 0.008%; no homozygotes.

Submission:

PreventionGenetics, part of Exact Sciences
Classification: Likely benign for MADD-related condition. Last evaluated: 2019-02-22. Review status: no assertion criteria provided. Collection method: clinical testing. Allele origin: germline.
Comment: This variant is classified as likely benign based on ACMG/AMP sequence variant interpretation guidelines (Richards et al. 2015 PMID: 25741868, with internal and published modifications).